The following is an entry in ClinVar:

ClinVar aggregate classification (germline): Pathogenic (1 of 4 stars; one submission).

Submission:

Labcorp Genetics (formerly Invitae), Labcorp
Classification: Pathogenic. Last evaluated: 2025-06-07. Review status: criteria provided, single submitter. Criteria: Invitae Variant Classification Sherloc (09022015). Collection method: clinical testing. Allele origin: germline.
Comment: This sequence change creates a premature translational stop signal (p.Cys299*) in the CACNA1F gene. It is expected to result in an absent or disrupted protein product. Loss-of-function variants in CACNA1F are known to be pathogenic (PMID: 9662399, 11281458, 17525176, 22194652, 24124559, 26992781). This variant is not present in population databases (gnomAD no frequency). This variant has not been reported in the literature in individuals affected with CACNA1F-related conditions. ClinVar contains an entry for this variant (Variation ID: 940610). For these reasons, this variant has been classified as Pathogenic.

Literature cited by the submitters: PubMed 9662399; PubMed 11281458; PubMed 17525176; PubMed 22194652; PubMed 24124559; PubMed 26992781.

NM_001256789.3(CACNA1F):c.897C>A (p.Cys299Ter)

Gene: CACNA1F (calcium voltage-gated channel subunit alpha1 F; minus strand). Cytogenetic location: Xp11.23.
Variant type: single nucleotide variant.
Coding change: c.897C>A on transcript NM_001256789.3 (MANE Select); coding-DNA position 897, C replaced by A.
Protein change: p.Cys299Ter; replaces cysteine 299 with a stop codon.
Molecular consequence: nonsense.
Genome position (GRCh38, 1-based): chrX:49,228,368, G>T on the plus strand (C>A on the coding strand, the complement: CACNA1F is on the minus strand). VCF-style: chrX-49228368-G-T. GRCh37 (hg19) VCF-style: chrX-49084830-G-T.
Other names: c.702C>A, p.Cys234Ter (NM_001256790.3); c.897C>A, p.Cys299Ter (NM_005183.4); short protein forms C234*, C299*.
Identifiers: ClinVar variation 940610 (VCV000940610.7), dbSNP rs2065845144, ClinGen allele CA412923026.